The following is an entry in ClinVar:

ClinVar aggregate classification (germline): Uncertain significance (1 of 4 stars; one submission).

Conditions:
Familial thoracic aortic aneurysm and aortic dissection (TAAD). Also called: Thoracic aortic aneurysms and dissections. Identifiers: Orphanet 91387, MedGen C4707243, MONDO:0019625.

gnomAD v4.1: 4 of 1,613,868 alleles (0.00025%); highest among the groups gnomAD compares: African/African-American, 0.0053%; no homozygotes.

Submission:

Ambry Genetics
Classification: Uncertain significance for Familial thoracic aortic aneurysm and aortic dissection. Last evaluated: 2025-02-09. Review status: criteria provided, single submitter. Criteria: Ambry Variant Classification Scheme 2023. Collection method: clinical testing. Allele origin: germline.
Comment: The p.F151L variant (also known as c.453C>G), located in coding exon 4 of the PLOD1 gene, results from a C to G substitution at nucleotide position 453. The phenylalanine at codon 151 is replaced by leucine, an amino acid with highly similar properties. This amino acid position is conserved. In addition, the in silico prediction for this alteration is inconclusive. Based on the available evidence, the clinical significance of this variant remains unclear.

NM_000302.4(PLOD1):c.453C>G (p.Phe151Leu)

Gene: PLOD1 (procollagen-lysine,2-oxoglutarate 5-dioxygenase 1; plus strand). Cytogenetic location: 1p36.22.
Variant type: single nucleotide variant.
Coding change: c.453C>G on transcript NM_000302.4 (MANE Select); coding-DNA position 453, C replaced by G.
Protein change: p.Phe151Leu; replaces phenylalanine 151 with leucine.
Molecular consequence: missense variant.
Genome position (GRCh38, 1-based): chr1:11,950,507, C>G. VCF-style: chr1-11950507-C-G. GRCh37 (hg19) VCF-style: chr1-12010564-C-G.
Other names: c.594C>G, p.Phe198Leu (NM_001316320.2); short protein forms F198L, F151L.
Identifiers: ClinVar variation 3890563 (VCV003890563.1).